The following is an entry in ClinVar:

NM_000089.4(COL1A2):c.594+1G>A

Gene: COL1A2 (collagen type I alpha 2 chain; plus strand). Cytogenetic location: 7q21.3.
Variant type: single nucleotide variant.
Coding change: c.594+1G>A on transcript NM_000089.4 (MANE Select); the canonical splice donor site of the intron after coding-DNA position 594, G replaced by A.
Molecular consequence: splice donor variant.
Genome position (GRCh38, 1-based): chr7:94,406,304, G>A. VCF-style: chr7-94406304-G-A. GRCh37 (hg19) VCF-style: chr7-94035616-G-A.
Identifiers: ClinVar variation 3375214 (VCV003375214.2).
Genomic context (GRCh38, chr7:94,406,304, plus strand): 5'-TTTCAGGGACACAATGGTCTGGATGGATTGAAGGGACAGCCCGGTGCTCCTGGTGTGAAG[G>A]TAAATATTAAATTAGAAGCACTGTTTTTAAGCACTTGATTGAAATTCCCCATGACCTCCA-3'

ClinVar aggregate classification (germline): Likely pathogenic. Review status: criteria provided, multiple submitters, no conflicts (2 of 4 stars). 2 submissions from 2 submitters: Likely pathogenic (2). Last evaluated 2024-09-25.

Conditions:
COL1A2-related disorder. Also called: COL1A2-Related Disorders; COL1A2-related condition.
Osteoporosis. Identifiers: MedGen C0029456, MONDO:0005298, OMIM 166710, HP:0000939.

Submissions (2):

Women's Health and Genetics/Laboratory Corporation of America, LabCorp
Classification: Likely pathogenic for Osteoporosis. Last evaluated: 2024-09-25. Review status: criteria provided, single submitter. Criteria: LabCorp Variant Classification Summary - May 2015. Collection method: clinical testing. Allele origin: germline.
Comment: Variant summary: COL1A2 c.594+1G>A is located in a canonical splice-site and is predicted to affect mRNA splicing resulting in a significantly altered protein due to either exon skipping, shortening, or inclusion of intronic material. Variants that disrupt the consensus splice site are a relatively common cause of aberrant splicing and loss of COL1A2 function. The variant was absent in 251396 control chromosomes. To our knowledge, no occurrence of c.594+1G>A in individuals affected with Osteoporosis and no experimental evidence demonstrating its impact on protein function have been reported. No submitters have cited clinical-significance assessments for this variant to ClinVar. Based on the evidence outlined above, the variant was classified as likely pathogenic.

Blueprint Genetics
Classification: Likely pathogenic for COL1A2-related disorders. Last evaluated: 2021-06-14. Review status: criteria provided, single submitter. Criteria: ACMG Guidelines, 2015. Collection method: clinical testing. Allele origin: germline. Affected: yes. Observed: 2 variant alleles.